The following is an entry in ClinVar:

ClinVar aggregate classification (germline): Uncertain significance (1 of 4 stars; one submission).

Conditions:
Idiopathic Pulmonary Fibrosis. Also called: Idiopathic fibrosing alveolitis, chronic form; idiopathic fibrosing alveolitis. Identifiers: Orphanet 2032, MedGen C1800706, MeSH D054990, MONDO:0800504.
Dyskeratosis congenita, autosomal dominant 2. Identifiers: MedGen C3151443, MONDO:0013521, OMIM 613989.

Allele frequency attached by ClinVar (database versions not stated): gnomAD exomes below 0.00001; TOPMed below 0.00001.
gnomAD v4.1: 1 of 1,581,402 alleles (0.000063%); no homozygotes.

Submission:

Labcorp Genetics (formerly Invitae), Labcorp
Classification: Uncertain significance for Dyskeratosis congenita, autosomal dominant 2; Idiopathic Pulmonary Fibrosis. Last evaluated: 2025-07-10. Review status: criteria provided, single submitter. Criteria: Invitae Variant Classification Sherloc (09022015). Collection method: clinical testing. Allele origin: germline.
Comment: This sequence change replaces glycine, which is neutral and non-polar, with arginine, which is basic and polar, at codon 225 of the TERT protein (p.Gly225Arg). This variant is not present in population databases (gnomAD no frequency). This variant has not been reported in the literature in individuals affected with TERT-related conditions. ClinVar contains an entry for this variant (Variation ID: 655769). Invitae Evidence Modeling of protein sequence and biophysical properties (such as structural, functional, and spatial information, amino acid conservation, physicochemical variation, residue mobility, and thermodynamic stability) indicates that this missense variant is not expected to disrupt TERT protein function with a negative predictive value of 95%. In summary, the available evidence is currently insufficient to determine the role of this variant in disease. Therefore, it has been classified as a Variant of Uncertain Significance.

NM_198253.3(TERT):c.673G>A (p.Gly225Arg)

Gene: TERT (telomerase reverse transcriptase; minus strand). Cytogenetic location: 5p15.33.
Variant type: single nucleotide variant.
Coding change: c.673G>A on transcript NM_198253.3 (MANE Select); coding-DNA position 673, G replaced by A.
Protein change: p.Gly225Arg; replaces glycine 225 with arginine.
Molecular consequence: missense variant. On other transcripts: non-coding transcript variant (2).
Genome position (GRCh38, 1-based): chr5:1,294,213, C>T on the plus strand (G>A on the coding strand, the complement: TERT is on the minus strand). VCF-style: chr5-1294213-C-T. GRCh37 (hg19) VCF-style: chr5-1294328-C-T.
Other names: c.673G>A, p.Gly225Arg (NM_001193376.3); short protein forms G225R.
Identifiers: ClinVar variation 655769 (VCV000655769.9), dbSNP rs1060502999, ClinGen allele CA359057057.